The following is an entry in ClinVar:

NM_001369.3(DNAH5):c.5158G>C (p.Val1720Leu)

Gene: DNAH5 (dynein axonemal heavy chain 5; minus strand). Cytogenetic location: 5p15.2.
Variant type: single nucleotide variant.
Coding change: c.5158G>C on transcript NM_001369.3 (MANE Select); coding-DNA position 5158, G replaced by C.
Protein change: p.Val1720Leu; replaces valine 1720 with leucine.
Molecular consequence: missense variant.
Genome position (GRCh38, 1-based): chr5:13,844,950, C>G on the plus strand (G>C on the coding strand, the complement: DNAH5 is on the minus strand). VCF-style: chr5-13844950-C-G. GRCh37 (hg19) VCF-style: chr5-13845059-C-G.
Other names: short protein forms V1720L.
Identifiers: ClinVar variation 2565918 (VCV002565918.3), dbSNP rs778341195, ClinGen allele CA359214305.

ClinVar aggregate classification (germline): Uncertain significance. Review status: criteria provided, single submitter (1 of 4 stars). 2 submissions from 2 submitters: Uncertain significance (1). 1 of the submissions does not count toward it. Last evaluated 2023-05-01.

Conditions:
Primary ciliary dyskinesia. Also called: Ciliary dyskinesia. Identifiers: Orphanet 244, MedGen C0008780, MONDO:0016575, HP:0012265.

Allele frequency attached by ClinVar (database versions not stated): TOPMed 0.00001.
gnomAD v4.1: 1 of 1,613,950 alleles (0.000062%); highest among the groups gnomAD compares: Non-Finnish European, 0.000085%; no homozygotes.

Submissions (2):

Ambry Genetics
Classification: Uncertain significance for Primary ciliary dyskinesia. Last evaluated: 2023-05-01. Review status: criteria provided, single submitter. Criteria: Ambry Variant Classification Scheme 2023. Collection method: clinical testing. Allele origin: germline.
Comment: The p.V1720L variant (also known as c.5158G>C), located in coding exon 32 of the DNAH5 gene, results from a G to C substitution at nucleotide position 5158. The valine at codon 1720 is replaced by leucine, an amino acid with highly similar properties. This amino acid position is conserved. In addition, the in silico prediction for this alteration is inconclusive. Since supporting evidence is limited at this time, the clinical significance of this alteration remains unclear.

Natera, Inc.
Classification: Uncertain significance for Primary ciliary dyskinesia. Last evaluated: 2025-03-14. Review status: no assertion criteria provided. Collection method: clinical testing. Allele origin: germline. Not counted in ClinVar's aggregate classification.